The following is an entry in ClinVar:

ClinVar aggregate classification (germline): Conflicting classifications of pathogenicity. Review status: criteria provided, conflicting classifications (1 of 4 stars). 2 submissions from 2 submitters: Uncertain significance (1); Likely benign (1). Last evaluated 2023-06-05.

Conditions:
Catecholaminergic polymorphic ventricular tachycardia 1. Also called: VENTRICULAR TACHYCARDIA, CATECHOLAMINERGIC POLYMORPHIC, 1, WITH OR WITHOUT ATRIAL DYSFUNCTION AND/OR DILATED CARDIOMYOPATHY; RYR2-Related Catecholaminergic Polymorphic Ventricular Tachycardia; VENTRICULAR TACHYCARDIA, STRESS-INDUCED POLYMORPHIC 1. Identifiers: Orphanet 3286, MedGen C1631597, MONDO:0011484, OMIM 604772.

Allele frequency attached by ClinVar (database versions not stated): gnomAD exomes 0.00001; ExAC 0.00005; gnomAD 0.00010; TOPMed 0.00012; 1000 Genomes Project 30x 0.00016.
gnomAD v4.1: 25 of 1,363,512 alleles (0.0018%); highest among the groups gnomAD compares: African/African-American, 0.026%; no homozygotes.

Submissions (2):

Labcorp Genetics (formerly Invitae), Labcorp
Classification: Uncertain significance for Catecholaminergic polymorphic ventricular tachycardia 1. Last evaluated: 2023-06-05. Review status: criteria provided, single submitter. Criteria: Invitae Variant Classification Sherloc (09022015). Collection method: clinical testing. Allele origin: germline.
Comment: In summary, the available evidence is currently insufficient to determine the role of this variant in disease. Therefore, it has been classified as a Variant of Uncertain Significance. Variants that disrupt the consensus splice site are a relatively common cause of aberrant splicing (PMID: 17576681, 9536098). Algorithms developed to predict the effect of sequence changes on RNA splicing suggest that this variant is not likely to affect RNA splicing. ClinVar contains an entry for this variant (Variation ID: 507207). This variant has not been reported in the literature in individuals affected with TRDN-related conditions. The frequency data for this variant in the population databases is considered unreliable, as metrics indicate poor data quality at this position in the gnomAD database. This sequence change falls in intron 37 of the TRDN gene. It does not directly change the encoded amino acid sequence of the TRDN protein. It affects a nucleotide within the consensus splice site.

GeneDx
Classification: Likely benign. Last evaluated: 2021-03-24. Review status: criteria provided, single submitter. Criteria: GeneDx Variant Classification Process June 2021. Collection method: clinical testing. Allele origin: germline. Affected: yes.

Literature cited by the submitters: PubMed 17576681 (cited by Labcorp Genetics (formerly Invitae), Labcorp); PubMed 9536098 (cited by Labcorp Genetics (formerly Invitae), Labcorp).

NM_006073.4(TRDN):c.1951+6C>A

Gene: TRDN (triadin; minus strand). Cytogenetic location: 6q22.31.
Variant type: single nucleotide variant.
Coding change: c.1951+6C>A on transcript NM_006073.4 (MANE Select); 6 bases into the intron after coding-DNA position 1951, C replaced by A.
Molecular consequence: intron variant.
Genome position (GRCh38, 1-based): chr6:123,255,075, G>T on the plus strand (C>A on the coding strand, the complement: TRDN is on the minus strand). VCF-style: chr6-123255075-G-T. GRCh37 (hg19) VCF-style: chr6-123576220-G-T.
Identifiers: ClinVar variation 507207 (VCV000507207.10), dbSNP rs781510666, ClinGen allele CA3983694.